The following is an entry in ClinVar:

NM_001374828.1(ARID1B):c.5732C>A (p.Pro1911Gln)

Gene: ARID1B (AT-rich interaction domain 1B; plus strand). Cytogenetic location: 6q25.3.
Variant type: single nucleotide variant.
Coding change: c.5732C>A on transcript NM_001374828.1 (MANE Select); coding-DNA position 5732, C replaced by A.
Protein change: p.Pro1911Gln; replaces proline 1911 with glutamine.
Molecular consequence: missense variant.
Genome position (GRCh38, 1-based): chr6:157,206,504, C>A. VCF-style: chr6-157206504-C-A. GRCh37 (hg19) VCF-style: chr6-157527638-C-A.
Other names: c.5483C>A, p.Pro1828Gln (NM_001346813.1); c.3233C>A, p.Pro1078Gln (NM_001363725.2); c.5612C>A, p.Pro1871Gln (NM_001371656.1, NM_001374820.1); c.5573C>A, p.Pro1858Gln (NM_017519.3); c.5363C>A, p.Pro1788Gln (NM_020732.3); c.5150C>A, p.Pro1717Gln (NM_175863.2); short protein forms P1717Q, P1078Q, P1828Q, P1911Q, P1788Q, P1871Q, P1858Q.
Identifiers: ClinVar variation 2807153 (VCV002807153.11), dbSNP rs2538763064, ClinGen allele CA366246729.

ClinVar aggregate classification (germline): Conflicting classifications of pathogenicity. Review status: criteria provided, conflicting classifications (1 of 4 stars). 2 submissions from 2 submitters: Uncertain significance (1); Likely benign (1). Last evaluated 2025-10-24.

Submissions (2):

Labcorp Genetics (formerly Invitae), Labcorp
Classification: Likely benign. Last evaluated: 2025-10-24. Review status: criteria provided, single submitter. Criteria: Invitae Variant Classification Sherloc (09022015). Collection method: clinical testing. Allele origin: germline.

CeGaT Center for Human Genetics Tuebingen
Classification: Uncertain significance. Last evaluated: 2025-08-01. Review status: criteria provided, single submitter. Criteria: CeGaT Center For Human Genetics Tuebingen Variant Classification Criteria Version 2. Collection method: clinical testing. Allele origin: germline. Affected: yes. Observed: 1 variant allele.
Comment: ARID1B: PM2